The following is an entry in ClinVar:

ClinVar aggregate classification (germline): Pathogenic (1 of 4 stars; one submission).

Conditions:
Arrhythmogenic right ventricular dysplasia 10. Also called: Arrhythmogenic Right Ventricular Dysplasia/Cardiomyopathy10; ARRHYTHMOGENIC RIGHT VENTRICULAR DYSPLASIA, FAMILIAL, 10; Arrhythmogenic right ventricular dysplasia/cardiomyopathy, type 10. Identifiers: MedGen C1857777, MONDO:0012434, OMIM 610193.

Submission:

Labcorp Genetics (formerly Invitae), Labcorp
Classification: Pathogenic for Arrhythmogenic right ventricular dysplasia 10. Last evaluated: 2025-09-05. Review status: criteria provided, single submitter. Criteria: Invitae Variant Classification Sherloc (09022015). Collection method: clinical testing. Allele origin: germline.
Comment: This sequence change creates a premature translational stop signal (p.Ile262Tyrfs*6) in the DSG2 gene. It is expected to result in an absent or disrupted protein product. Loss-of-function variants in DSG2 are known to be pathogenic (PMID: 17105751, 31386562). This variant is not present in population databases (gnomAD no frequency). This variant has not been reported in the literature in individuals affected with DSG2-related conditions. Algorithms developed to predict the effect of sequence changes on RNA splicing suggest that this variant may disrupt the consensus splice site. For these reasons, this variant has been classified as Pathogenic.

Literature cited by the submitters: PubMed 17105751; PubMed 31386562.

NM_001943.5(DSG2):c.783dup (p.Ile262fs)

Gene: DSG2 (desmoglein 2; plus strand). Cytogenetic location: 18q12.1.
Variant type: Duplication.
Coding change: c.783dup on transcript NM_001943.5 (MANE Select); coding-DNA position 783, one base duplicated (T; older notation c.783dupT).
Protein change: p.Ile262fs; shifts the reading frame from isoleucine 262.
Molecular consequence: frameshift variant.
Genome position (GRCh38, 1-based): chr18:31,524,540, T duplicated. VCF-style (leftmost placement, unchanged base first): chr18-31524539-G-GT. GRCh37 (hg19) VCF-style: chr18-29104502-G-GT.
Other names: short protein forms I262fs.
Identifiers: ClinVar variation 4772821 (VCV004772821.1).